The following is an entry in ClinVar:

NM_014806.5(RUSC2):c.4354G>C (p.Val1452Leu)

Gene: RUSC2 (RUN and SH3 domain containing 2; plus strand). Cytogenetic location: 9p13.3.
Variant type: single nucleotide variant.
Coding change: c.4354G>C on transcript NM_014806.5 (MANE Select); coding-DNA position 4354, G replaced by C.
Protein change: p.Val1452Leu; replaces valine 1452 with leucine.
Molecular consequence: missense variant. On other transcripts: non-coding transcript variant (1).
Genome position (GRCh38, 1-based): chr9:35,561,185, G>C. VCF-style: chr9-35561185-G-C. GRCh37 (hg19) VCF-style: chr9-35561182-G-C.
Other names: c.4354G>C, p.Val1452Leu (NM_001135999.2); c.1720G>C, p.Val574Leu (NM_001330740.2); short protein forms V574L, V1452L.
Identifiers: ClinVar variation 5003003 (VCV005003003.1).

ClinVar aggregate classification (germline): Uncertain significance (1 of 4 stars; one submission).

Conditions:
Intellectual developmental disorder, autosomal recessive 61. Also called: MENTAL RETARDATION, AUTOSOMAL RECESSIVE 61; ALWADEI SYNDROME; Intellectual disability, autosomal recessive 61. Identifiers: MedGen C4540424, MONDO:0030915, OMIM 617773.

gnomAD v4.1: 4 of 1,614,042 alleles (0.00025%); highest among the groups gnomAD compares: Admixed American, 0.0017%; no homozygotes.

Submission:

OLLIN Analises Genomicas, OLLIN
Classification: Uncertain significance for Intellectual developmental disorder, autosomal recessive 61. Last evaluated: 2026-08-06. Review status: criteria provided, single submitter. Criteria: ACMG Guidelines 2015 PMID 25741868. Collection method: clinical testing. Allele origin: germline.
Comment: This missense variant, located in exon 12 (of 12), has been observed in gnomAD with an allele frequency of 0.00025%, but has not been reported in ClinVar or identified in the literature. In silico analysis is inconclusive regarding the impact of this variant. This gene has high tolerance to missense variation. According to the currently available evidence, this variant has been classified as uncertain significance (PM2_P, BP1).